The following is an entry in ClinVar:

NM_000051.4(ATM):c.4179C>T (p.Ile1393=)

Gene: ATM (ATM serine/threonine kinase; plus strand). Cytogenetic location: 11q22.3.
Variant type: single nucleotide variant.
Coding change: c.4179C>T on transcript NM_000051.4 (MANE Select); coding-DNA position 4179, C replaced by T.
Protein change: p.Ile1393=; no amino-acid change (isoleucine 1393 retained).
Molecular consequence: synonymous variant.
Genome position (GRCh38, 1-based): chr11:108,289,046, C>T. VCF-style: chr11-108289046-C-T. GRCh37 (hg19) VCF-style: chr11-108159773-C-T.
Other names: c.4179C>T, p.Ile1393= (NM_001351834.2).
Identifiers: ClinVar variation 479073 (VCV000479073.11), dbSNP rs775688446, ClinGen allele CA476673712.

ClinVar aggregate classification (germline): Benign/Likely benign. Review status: criteria provided, multiple submitters, no conflicts (2 of 4 stars). 3 submissions from 3 submitters: Benign (1); Likely benign (2). Last evaluated 2024-05-16.

Conditions:
Hereditary cancer-predisposing syndrome. Also called: Tumor predisposition; Neoplastic Syndromes, Hereditary; Hereditary Cancer Syndrome; Hereditary neoplastic syndrome. Identifiers: Orphanet 140162, MedGen C0027672, MeSH D009386, MONDO:0015356.
Familial cancer of breast. Also called: BREAST CANCER, FAMILIAL; Hereditary breast cancer; hereditary breast carcinoma. Identifiers: Orphanet 227535, MedGen C0346153, MONDO:0016419, OMIM 114480. Disease mechanism: loss of function.
Ataxia-telangiectasia syndrome (AT). Also called: Cerebello-oculocutaneous telangiectasia; Immunodeficiency with ataxia telangiectasia; ATAXIA-TELANGIECTASIA, COMPLEMENTATION GROUP A; Ataxia-telangiectasia, complementation group D; AT, COMPLEMENTATION GROUP C; ATAXIA-TELANGIECTASIA, FRESNO VARIANT. Identifiers: Orphanet 100, MedGen C0004135, MONDO:0008840, OMIM 208900.

Submissions (3):

Myriad Genetics, Inc.
Classification: Benign for Familial cancer of breast. Last evaluated: 2024-05-16. Review status: criteria provided, single submitter. Criteria: Myriad Autosomal Dominant, Autosomal Recessive and X-Linked Classification Criteria (2023). Collection method: clinical testing. Allele origin: unknown.
Comment: This variant is considered benign. This variant is a silent/synonymous amino acid change and it is not expected to impact splicing.

Labcorp Genetics (formerly Invitae), Labcorp
Classification: Likely benign for Ataxia-telangiectasia syndrome. Last evaluated: 2023-08-17. Review status: criteria provided, single submitter. Criteria: Invitae Variant Classification Sherloc (09022015). Collection method: clinical testing. Allele origin: germline.

Ambry Genetics
Classification: Likely benign for Hereditary cancer-predisposing syndrome. Last evaluated: 2017-01-23. Review status: criteria provided, single submitter. Criteria: Ambry Variant Classification Scheme 2023. Collection method: clinical testing. Allele origin: germline.